The following is an entry in ClinVar:

NM_006070.6(TFG):c.968A>G (p.Asn323Ser)

Gene: TFG (trafficking from ER to golgi regulator; plus strand). Cytogenetic location: 3q12.2.
Variant type: single nucleotide variant.
Coding change: c.968A>G on transcript NM_006070.6 (MANE Select); coding-DNA position 968, A replaced by G.
Protein change: p.Asn323Ser; replaces asparagine 323 with serine.
Molecular consequence: missense variant.
Genome position (GRCh38, 1-based): chr3:100,748,296, A>G. VCF-style: chr3-100748296-A-G. GRCh37 (hg19) VCF-style: chr3-100467140-A-G.
Other names: c.968A>G (NM_006070.5); c.968A>G, p.Asn323Ser (NM_001007565.2, NM_001195478.2); c.956A>G, p.Asn319Ser (NM_001195479.2); short protein forms N319S, N323S.
Identifiers: ClinVar variation 1907305 (VCV001907305.6), dbSNP rs778132572, ClinGen allele CA2517235.

ClinVar aggregate classification (germline): Conflicting classifications of pathogenicity. Review status: criteria provided, conflicting classifications (1 of 4 stars). 2 submissions from 2 submitters: Uncertain significance (1); Likely benign (1). Last evaluated 2024-08-05.

Conditions:
Hereditary motor and sensory neuropathy, Okinawa type (HMSNO). Also called: HEREDITARY MOTOR AND SENSORY NEUROPATHY, PROXIMAL TYPE. Identifiers: Orphanet 90117, MedGen C1858338, MONDO:0011468, OMIM 604484.
Hereditary spastic paraplegia 57. Also called: Spastic paraplegia 57, autosomal recessive. Identifiers: Orphanet 431329, MedGen C3714897, MONDO:0014295, OMIM 615658.
Inborn genetic diseases. Identifiers: MedGen C0950123, MeSH D030342.

Allele frequency attached by ClinVar (database versions not stated): gnomAD exomes 0.00001; ExAC 0.00002.
gnomAD v4.1: 9 of 1,614,056 alleles (0.00056%); highest among the groups gnomAD compares: Admixed American, 0.01%; no homozygotes.

Submissions (2):

Ambry Genetics
Classification: Likely benign for Inborn genetic diseases. Last evaluated: 2024-08-05. Review status: criteria provided, single submitter. Criteria: Ambry Variant Classification Scheme 2023. Collection method: clinical testing. Allele origin: germline.

Labcorp Genetics (formerly Invitae), Labcorp
Classification: Uncertain significance for Hereditary motor and sensory neuropathy, Okinawa type; Hereditary spastic paraplegia 57. Last evaluated: 2024-06-11. Review status: criteria provided, single submitter. Criteria: Invitae Variant Classification Sherloc (09022015). Collection method: clinical testing. Allele origin: germline.
Comment: This sequence change replaces asparagine, which is neutral and polar, with serine, which is neutral and polar, at codon 323 of the TFG protein (p.Asn323Ser). This variant is present in population databases (rs778132572, gnomAD 0.01%). This variant has not been reported in the literature in individuals affected with TFG-related conditions. ClinVar contains an entry for this variant (Variation ID: 1907305). Advanced modeling of protein sequence and biophysical properties (such as structural, functional, and spatial information, amino acid conservation, physicochemical variation, residue mobility, and thermodynamic stability) performed at Invitae indicates that this missense variant is not expected to disrupt TFG protein function with a negative predictive value of 80%. In summary, the available evidence is currently insufficient to determine the role of this variant in disease. Therefore, it has been classified as a Variant of Uncertain Significance.